The following is an entry in ClinVar:

ClinVar aggregate classification (germline): Uncertain significance (1 of 4 stars; one submission).

Submission:

Labcorp Genetics (formerly Invitae), Labcorp
Classification: Uncertain significance. Last evaluated: 2020-07-26. Review status: criteria provided, single submitter. Criteria: Invitae Variant Classification Sherloc (09022015). Collection method: clinical testing. Allele origin: germline.
Comment: This sequence change replaces alanine with valine at codon 782 of the SZT2 protein (p.Ala782Val). The alanine residue is moderately conserved and there is a small physicochemical difference between alanine and valine. This variant is not present in population databases (ExAC no frequency). This variant has not been reported in the literature in individuals with SZT2-related disease. Algorithms developed to predict the effect of missense changes on protein structure and function are either unavailable or do not agree on the potential impact of this missense change (SIFT: "Deleterious"; PolyPhen-2: "Probably Damaging"; Align-GVGD: "Class C0"). In summary, the available evidence is currently insufficient to determine the role of this variant in disease. Therefore, it has been classified as a Variant of Uncertain Significance.

NM_001365999.1(SZT2):c.2345C>T (p.Ala782Val)

Gene: SZT2 (SZT2 subunit of KICSTOR complex; plus strand). Cytogenetic location: 1p34.2.
Variant type: single nucleotide variant.
Coding change: c.2345C>T on transcript NM_001365999.1 (MANE Select); coding-DNA position 2345, C replaced by T.
Protein change: p.Ala782Val; replaces alanine 782 with valine.
Molecular consequence: missense variant.
Genome position (GRCh38, 1-based): chr1:43,424,306, C>T. VCF-style: chr1-43424306-C-T. GRCh37 (hg19) VCF-style: chr1-43889977-C-T.
Other names: c.2345C>T, p.Ala782Val (NM_015284.4); short protein forms A782V.
Identifiers: ClinVar variation 642912 (VCV000642912.8), dbSNP rs1570640514, ClinGen allele CA340012436.